The following is an entry in ClinVar:

ClinVar aggregate classification (germline): Conflicting classifications of pathogenicity. Review status: criteria provided, conflicting classifications (1 of 4 stars). 2 submissions from 2 submitters: Uncertain significance (1); Likely benign (1). Last evaluated 2025-10-20.

Conditions:
Fanconi anemia (FA). Also called: Fanconi's anemia. Identifiers: Orphanet 84, MedGen C0015625, MeSH D005199, MONDO:0019391.
Fanconi anemia complementation group B (FANCB). Also called: FANCONI PANCYTOPENIA, TYPE 2; FANCB-Related Fanconi Anemia. Identifiers: Orphanet 84, MedGen C1845292, MONDO:0010351, OMIM 300514.

Allele frequency attached by ClinVar (database versions not stated): gnomAD 0.00004; TOPMed 0.00004; gnomAD exomes 0.00005 and 0.00006; ExAC 0.00006; ESP Exome Variant Server 0.00009.
gnomAD v4.1: 66 of 1,208,471 alleles (0.0055%); highest among the groups gnomAD compares: Non-Finnish European, 0.0065%; no homozygotes.

Submissions (2):

Labcorp Genetics (formerly Invitae), Labcorp
Classification: Likely benign for Fanconi anemia. Last evaluated: 2025-10-20. Review status: criteria provided, single submitter. Criteria: Invitae Variant Classification Sherloc (09022015). Collection method: clinical testing. Allele origin: germline.

St. Jude Molecular Pathology, St. Jude Children's Research Hospital
Classification: Uncertain significance for Fanconi anemia complementation group B. Last evaluated: 2024-01-08. Review status: criteria provided, single submitter. Criteria: St. Jude Assertion Criteria 2020. Collection method: clinical testing. Allele origin: germline.
Comment: The FANCB c.493G>C (p.Gly165Arg) missense change has a maximum subpopulation frequency of 0.011% in gnomAD v2.1.1. The in silico tool REVEL predicts a benign effect on protein function, but this prediction has not been confirmed by functional studies. This variant has not been reported in individuals with Fanconi anemia. In summary, the evidence currently available is insufficient to determine the clinical significance of this variant. It has therefore been classified as of uncertain significance.

NM_001018113.3(FANCB):c.493G>C (p.Gly165Arg)

Gene: FANCB (FA complementation group B; minus strand). Cytogenetic location: Xp22.2.
Variant type: single nucleotide variant.
Coding change: c.493G>C on transcript NM_001018113.3 (MANE Select); coding-DNA position 493, G replaced by C.
Protein change: p.Gly165Arg; replaces glycine 165 with arginine.
Molecular consequence: missense variant.
Genome position (GRCh38, 1-based): chrX:14,865,018, C>G on the plus strand (G>C on the coding strand, the complement: FANCB is on the minus strand). VCF-style: chrX-14865018-C-G. GRCh37 (hg19) VCF-style: chrX-14883140-C-G.
Other names: c.493G>C, p.Gly165Arg (NM_001324162.2, NM_152633.4); short protein forms G165R.
Identifiers: ClinVar variation 1426415 (VCV001426415.9), dbSNP rs146131050, ClinGen allele CA10353201.